The following is an entry in ClinVar:

ClinVar aggregate classification (germline): Uncertain significance. Review status: criteria provided, multiple submitters, no conflicts (2 of 4 stars). 2 submissions from 2 submitters: Uncertain significance (2). Last evaluated 2025-09-11.

Allele frequency attached by ClinVar (database versions not stated): ESP Exome Variant Server 0.00015; gnomAD exomes 0.00018.

Submissions (2):

Labcorp Genetics (formerly Invitae), Labcorp
Classification: Uncertain significance. Last evaluated: 2025-09-11. Review status: criteria provided, single submitter. Criteria: Invitae Variant Classification Sherloc (09022015). Collection method: clinical testing. Allele origin: germline.
Comment: This sequence change replaces valine, which is neutral and non-polar, with isoleucine, which is neutral and non-polar, at codon 228 of the ACTN1 protein (p.Val228Ile). This variant is present in population databases (rs151249499, gnomAD 0.02%). This missense change has been observed in individual(s) with clinical features of ACTN1-related conditions (PMID: 25949529). ClinVar contains an entry for this variant (Variation ID: 2137600). An algorithm developed to predict the effect of missense changes on protein structure and function (PolyPhen-2) suggests that this variant is likely to be tolerated. In summary, the available evidence is currently insufficient to determine the role of this variant in disease. Therefore, it has been classified as a Variant of Uncertain Significance.

GeneDx
Classification: Uncertain significance. Last evaluated: 2023-11-15. Review status: criteria provided, single submitter. Criteria: GeneDx Variant Classification Process June 2021. Collection method: clinical testing. Allele origin: germline. Affected: yes.
Comment: In silico analysis supports that this missense variant does not alter protein structure/function; This variant is associated with the following publications: (PMID: 32757236, 37647632, 32627625, 25949529)

Literature cited by the submitters: PubMed 25949529 (cited by Labcorp Genetics (formerly Invitae), Labcorp).

NM_001130004.2(ACTN1):c.682G>A (p.Val228Ile)

Gene: ACTN1 (actinin alpha 1; minus strand). Cytogenetic location: 14q24.1.
Variant type: single nucleotide variant.
Coding change: c.682G>A on transcript NM_001130004.2 (MANE Select); coding-DNA position 682, G replaced by A.
Protein change: p.Val228Ile; replaces valine 228 with isoleucine.
Molecular consequence: missense variant.
Genome position (GRCh38, 1-based): chr14:68,902,557, C>T on the plus strand (G>A on the coding strand, the complement: ACTN1 is on the minus strand). VCF-style: chr14-68902557-C-T. GRCh37 (hg19) VCF-style: chr14-69369274-C-T.
Other names: c.682G>A, p.Val228Ile (NM_001102.4, NM_001130005.2, NM_001411035.1); c.487G>A, p.Val163Ile (NM_001411036.1); short protein forms V228I, V163I.
Identifiers: ClinVar variation 2137600 (VCV002137600.4), dbSNP rs151249499, ClinGen allele CA7242598.
Genomic context (GRCh38, chr14:68,902,557, plus strand): 5'-CGTGGTAGAAGCTAGACACGTAAGTCATGATGGCTTTCTCATCCGGTCGGGCAGTTCCAA[C>T]GATGTCTGTCAAGAAAAATCTGGAGTTAAAGCCAGCTGGTTCCAAGAACACCATACACCC-3'
Protein context (NP_001123476.1, residues 218-238): IPKMLDAEDI[Val228Ile]GTARPDEKAI